The following is an entry in ClinVar:

ClinVar aggregate classification (germline): Conflicting classifications of pathogenicity. Review status: criteria provided, conflicting classifications (1 of 4 stars). 6 submissions from 6 submitters: Uncertain significance (1); Likely benign (4). 1 of the submissions does not count toward it. Last evaluated 2026-02-17.

Conditions:
Ehlers-Danlos syndrome (EDS). Identifiers: Orphanet 98249, MedGen C0013720, MONDO:0020066.
ADAMTS2-related disorder. Also called: ADAMTS2-related condition.
Ehlers-Danlos syndrome, dermatosparaxis type. Also called: Ehlers-Danlos syndrome, type VII, autosomal recessive; EDS VIIC; Dermatosparaxis. Identifiers: Orphanet 1901, MedGen C2700425, MONDO:0009161, OMIM 225410.

Allele frequency attached by ClinVar (database versions not stated): gnomAD exomes 0.00003 and 0.00009; gnomAD 0.00004 and 0.00005; TOPMed 0.00006; 1000 Genomes Project 30x 0.00016; ExAC 0.00027.
gnomAD v4.1: 52 of 1,579,722 alleles (0.0033%); highest among the groups gnomAD compares: Middle Eastern, 0.039%; no homozygotes.

Submissions (6):

Women's Health and Genetics/Laboratory Corporation of America, LabCorp
Classification: Likely benign. Last evaluated: 2026-02-17. Review status: criteria provided, single submitter. Criteria: LabCorp Variant Classification Summary - May 2015. Collection method: clinical testing. Allele origin: germline.

Labcorp Genetics (formerly Invitae), Labcorp
Classification: Likely benign for Ehlers-Danlos syndrome, dermatosparaxis type. Last evaluated: 2025-11-16. Review status: criteria provided, single submitter. Criteria: Invitae Variant Classification Sherloc (09022015). Collection method: clinical testing. Allele origin: germline.

PreventionGenetics, part of Exact Sciences
Classification: Likely benign for ADAMTS2-related condition. Last evaluated: 2025-05-20. Review status: criteria provided, single submitter. Criteria: ACMG Guidelines, 2015. Collection method: clinical testing. Allele origin: germline.
Comment: This variant is classified as likely benign based on ACMG/AMP sequence variant interpretation guidelines (Richards et al. 2015 PMID: 25741868, with internal and published modifications).

Genome Diagnostics Laboratory, The Hospital for Sick Children
Classification: Likely benign for Ehlers-Danlos syndrome. Last evaluated: 2022-04-22. Review status: criteria provided, single submitter. Criteria: ACMG Guidelines, 2015. Collection method: clinical testing. Allele origin: germline.

Illumina Laboratory Services, Illumina
Classification: Uncertain significance for Ehlers-Danlos syndrome, dermatosparaxis type. Last evaluated: 2018-01-13. Review status: criteria provided, single submitter. Criteria: ICSL Variant Classification Criteria 13 December 2019. Collection method: clinical testing. Allele origin: germline.

Natera, Inc.
Classification: Likely benign for Ehlers-Danlos syndrome type VIIC. Last evaluated: 2020-05-01. Review status: no assertion criteria provided. Collection method: clinical testing. Allele origin: germline. Not counted in ClinVar's aggregate classification.

NM_014244.5(ADAMTS2):c.1914C>T (p.Asp638=)

Gene: ADAMTS2 (ADAM metallopeptidase with thrombospondin type 1 motif 2; minus strand). Cytogenetic location: 5q35.3.
Variant type: single nucleotide variant.
Coding change: c.1914C>T on transcript NM_014244.5 (MANE Select); coding-DNA position 1914, C replaced by T.
Protein change: p.Asp638=; no amino-acid change (aspartic acid 638 retained).
Molecular consequence: synonymous variant.
Genome position (GRCh38, 1-based): chr5:179,137,806, G>A on the plus strand (C>T on the coding strand, the complement: ADAMTS2 is on the minus strand). VCF-style: chr5-179137806-G-A. GRCh37 (hg19) VCF-style: chr5-178564807-G-A.
Identifiers: ClinVar variation 706820 (VCV000706820.20), dbSNP rs752737484, ClinGen allele CA3595745.